The following is an entry in ClinVar:

ClinVar aggregate classification (germline): Uncertain significance. Review status: criteria provided, multiple submitters, no conflicts (2 of 4 stars). 3 submissions from 3 submitters: Uncertain significance (2). 1 of the submissions does not count toward it. Last evaluated 2024-12-10.

Conditions:
Inborn genetic diseases. Identifiers: MedGen C0950123, MeSH D030342.
RPGRIP1L-related disorder. Also called: RPGRIP1L-related condition; RPGRIP1L-related disorders. Identifiers: MedGen CN239416.

Allele frequency attached by ClinVar (database versions not stated): gnomAD exomes below 0.00001 and 0.00001; ExAC 0.00001; gnomAD 0.00001; TOPMed 0.00002.
gnomAD v4.1: 17 of 1,613,574 alleles (0.0011%); highest among the groups gnomAD compares: South Asian, 0.0022%; no homozygotes.

Submissions (3):

Ambry Genetics
Classification: Uncertain significance for Inborn genetic diseases. Last evaluated: 2024-12-10. Review status: criteria provided, single submitter. Criteria: Ambry Variant Classification Scheme 2023. Collection method: clinical testing. Allele origin: germline.

GeneDx
Classification: Uncertain significance. Last evaluated: 2019-10-25. Review status: criteria provided, single submitter. Criteria: GeneDx Variant Classification Process June 2021. Collection method: clinical testing. Allele origin: germline. Affected: yes.
Comment: Has not been previously published as pathogenic or benign to our knowledge; In silico analysis, which includes protein predictors and evolutionary conservation, supports a deleterious effect

PreventionGenetics, part of Exact Sciences
Classification: Uncertain significance for RPGRIP1L-related condition. Last evaluated: 2024-05-27. Review status: no assertion criteria provided. Collection method: clinical testing. Allele origin: germline. Not counted in ClinVar's aggregate classification.
Comment: The RPGRIP1L c.2899C>T variant is predicted to result in the amino acid substitution p.Arg967Cys. To our knowledge, this variant has not been reported in the literature. This variant is reported in 0.0033% of alleles in individuals of South Asian descent in gnomAD. At this time, the clinical significance of this variant is uncertain due to the absence of conclusive functional and genetic evidence.

NM_015272.5(RPGRIP1L):c.2899C>T (p.Arg967Cys)

Gene: RPGRIP1L (RPGRIP1 like; minus strand). Cytogenetic location: 16q12.2.
Variant type: single nucleotide variant.
Coding change: c.2899C>T on transcript NM_015272.5 (MANE Select); coding-DNA position 2899, C replaced by T.
Protein change: p.Arg967Cys; replaces arginine 967 with cysteine.
Molecular consequence: missense variant.
Genome position (GRCh38, 1-based): chr16:53,641,092, G>A on the plus strand (C>T on the coding strand, the complement: RPGRIP1L is on the minus strand). VCF-style: chr16-53641092-G-A. GRCh37 (hg19) VCF-style: chr16-53675004-G-A.
Other names: c.2899C>T, p.Arg967Cys (NM_001127897.4, NM_001308334.3, NM_001330538.2); c.2899C>T (NM_015272.4); short protein forms R967C.
Identifiers: ClinVar variation 1309278 (VCV001309278.4), dbSNP rs759942433, ClinGen allele CA8057425.
Genomic context (GRCh38, chr16:53,641,092, plus strand): 5'-CATCACTCTGATGTGGCATGATATCCACGAAAGATACCTTCTTATCTACAGGTGTTAAAC[G>A]TTGTCTTGGTTTAGGTCTTGGTGCCTAAGACAAACCAACCAATGTGTCAGACTGAGTATG-3'
Protein context (NP_056087.2, residues 957-977): VLAPRPKPRQ[Arg967Cys]LTPVDKKVSF